The following is an entry in ClinVar:

ClinVar aggregate classification (germline): Likely benign (1 of 4 stars; one submission).

gnomAD v4.1: 944 of 681,600 alleles (0.14%); highest among the groups gnomAD compares: African/African-American, 1.5%; 5 homozygotes.

Submission:

GeneDx
Classification: Likely benign. Last evaluated: 2018-10-27. Review status: criteria provided, single submitter. Criteria: GeneDx Variant Classification Process June 2021. Collection method: clinical testing. Allele origin: germline. Affected: yes.
Comment: See Variant Classification Assertion Criteria.

NM_001846.4(COL4A2):c.3562+148A>G

Gene: COL4A2 (collagen type IV alpha 2 chain; plus strand). Cytogenetic location: 13q34.
Variant type: single nucleotide variant.
Coding change: c.3562+148A>G on transcript NM_001846.4 (MANE Select); 148 bases into the intron after coding-DNA position 3562, A replaced by G.
Molecular consequence: intron variant.
Genome position (GRCh38, 1-based): chr13:110,492,325, A>G. VCF-style: chr13-110492325-A-G. GRCh37 (hg19) VCF-style: chr13-111144672-A-G.
Identifiers: ClinVar variation 4813926 (VCV004813926.1).